The following is an entry in ClinVar:

NM_001376.5(DYNC1H1):c.7957G>C (p.Val2653Leu)

Gene: DYNC1H1 (dynein cytoplasmic 1 heavy chain 1; plus strand). Cytogenetic location: 14q32.31.
Variant type: single nucleotide variant.
Coding change: c.7957G>C on transcript NM_001376.5 (MANE Select); coding-DNA position 7957, G replaced by C.
Protein change: p.Val2653Leu; replaces valine 2653 with leucine.
Molecular consequence: missense variant.
Genome position (GRCh38, 1-based): chr14:102,017,196, G>C. VCF-style: chr14-102017196-G-C. GRCh37 (hg19) VCF-style: chr14-102483533-G-C.
Other names: short protein forms V2653L.
Identifiers: ClinVar variation 1466679 (VCV001466679.8), dbSNP rs1208612980, ClinGen allele CA391003775.

ClinVar aggregate classification (germline): Uncertain significance (1 of 4 stars; one submission).

Conditions:
Charcot-Marie-Tooth disease axonal type 2O. Also called: CHARCOT-MARIE-TOOTH NEUROPATHY, AXONAL, TYPE 2O; CHARCOT-MARIE-TOOTH DISEASE, AXONAL, AUTOSOMAL DOMINANT, TYPE 2O; Charcot-Marie-Tooth Neuropathy Type 2O; Charcot-Marie-Tooth disease, axonal, type 20. Identifiers: Orphanet 284232, MedGen C3280220, MONDO:0013644, OMIM 614228.

Allele frequency attached by ClinVar (database versions not stated): gnomAD exomes below 0.00001.
gnomAD v4.1: 4 of 1,614,240 alleles (0.00025%); highest among the groups gnomAD compares: Admixed American, 0.0017%; no homozygotes.

Submission:

Labcorp Genetics (formerly Invitae), Labcorp
Classification: Uncertain significance for Charcot-Marie-Tooth disease axonal type 2O. Last evaluated: 2021-06-08. Review status: criteria provided, single submitter. Criteria: Invitae Variant Classification Sherloc (09022015). Collection method: clinical testing. Allele origin: germline.
Comment: In summary, the available evidence is currently insufficient to determine the role of this variant in disease. Therefore, it has been classified as a Variant of Uncertain Significance. Advanced modeling of protein sequence and biophysical properties (such as structural, functional, and spatial information, amino acid conservation, physicochemical variation, residue mobility, and thermodynamic stability) performed at Invitae indicates that this missense variant is not expected to disrupt DYNC1H1 protein function. This variant has not been reported in the literature in individuals with DYNC1H1-related conditions. This variant is not present in population databases (ExAC no frequency). This sequence change replaces valine with leucine at codon 2653 of the DYNC1H1 protein (p.Val2653Leu). The valine residue is highly conserved and there is a small physicochemical difference between valine and leucine.